The following is an entry in ClinVar:

NM_001844.5(COL2A1):c.1598G>A (p.Arg533Gln)

Gene: COL2A1 (collagen type II alpha 1 chain; minus strand). Cytogenetic location: 12q13.11.
Variant type: single nucleotide variant.
Coding change: c.1598G>A on transcript NM_001844.5 (MANE Select); coding-DNA position 1598, G replaced by A.
Protein change: p.Arg533Gln; replaces arginine 533 with glutamine.
Molecular consequence: missense variant.
Genome position (GRCh38, 1-based): chr12:47,985,810, C>T on the plus strand (G>A on the coding strand, the complement: COL2A1 is on the minus strand). VCF-style: chr12-47985810-C-T. GRCh37 (hg19) VCF-style: chr12-48379593-C-T.
Other names: c.1391G>A, p.Arg464Gln (NM_033150.3); short protein forms R533Q, R464Q.
Identifiers: ClinVar variation 1948522 (VCV001948522.5), dbSNP rs769447809, ClinGen allele CA6535442.
Genomic context (GRCh38, chr12:47,985,810, plus strand): 5'-TCTCCAGGACGGCCAGGGTCACCGTTGGCTCCCTTGGGGCCAGCAAGACCACTGGGCCCT[C>T]GCTCTCCAGGGGCTCCCTACAAGGGTACACAGGGAGTCAGTGGGATACCATGTGACCTCA-3'
Protein context (NP_001835.3, residues 523-543): LAGPKGAPGE[Arg533Gln]GPSGLAGPKG

ClinVar aggregate classification (germline): Uncertain significance (1 of 4 stars; one submission).

Allele frequency attached by ClinVar (database versions not stated): TOPMed below 0.00001; gnomAD 0.00001; gnomAD exomes 0.00001; ExAC 0.00003.
gnomAD v4.1: 8 of 1,611,496 alleles (0.0005%); highest among the groups gnomAD compares: East Asian, 0.0022%; no homozygotes.

Submission:

Labcorp Genetics (formerly Invitae), Labcorp
Classification: Uncertain significance. Last evaluated: 2022-08-09. Review status: criteria provided, single submitter. Criteria: Invitae Variant Classification Sherloc (09022015). Collection method: clinical testing. Allele origin: germline.
Comment: This variant has not been reported in the literature in individuals affected with COL2A1-related conditions. Algorithms developed to predict the effect of missense changes on protein structure and function are either unavailable or do not agree on the potential impact of this missense change (SIFT: "Deleterious"; PolyPhen-2: "Benign"; Align-GVGD: "Class C0"). In summary, the available evidence is currently insufficient to determine the role of this variant in disease. Therefore, it has been classified as a Variant of Uncertain Significance. This sequence change replaces arginine, which is basic and polar, with glutamine, which is neutral and polar, at codon 533 of the COL2A1 protein (p.Arg533Gln). This variant is present in population databases (rs769447809, gnomAD 0.006%).